The following is an entry in ClinVar:

ClinVar aggregate classification (germline): Pathogenic (1 of 4 stars; one submission).

Conditions:
Neurofibromatosis, type 1 (NF1). Also called: NEUROFIBROMATOSIS, TYPE I, SOMATIC; VON RECKLINGHAUSEN DISEASE; Neurofibromatosis, type I; Peripheral type neurofibromatosis. Identifiers: Orphanet 636, MedGen C0027831, MONDO:0018975, OMIM 162200. Disease mechanism: loss of function.

Submission:

Labcorp Genetics (formerly Invitae), Labcorp
Classification: Pathogenic for Neurofibromatosis, type 1. Last evaluated: 2021-05-19. Review status: criteria provided, single submitter. Criteria: Invitae Variant Classification Sherloc (09022015). Collection method: clinical testing. Allele origin: germline.
Comment: This sequence change creates a premature translational stop signal (p.Thr2530Lysfs*4) in the NF1 gene. It is expected to result in an absent or disrupted protein product. Loss-of-function variants in NF1 are known to be pathogenic (PMID: 10712197, 23913538). This variant is not present in population databases (ExAC no frequency). For these reasons, this variant has been classified as Pathogenic. This variant has not been reported in the literature in individuals with NF1-related conditions.

Literature cited by the submitters: PubMed 10712197; PubMed 23913538.

NM_001042492.3(NF1):c.7652_7653del (p.Thr2551fs)

Gene: NF1 (neurofibromin 1; plus strand). Cytogenetic location: 17q11.2.
Variant type: Microsatellite.
Coding change: c.7652_7653del on transcript NM_001042492.3 (MANE Select); coding-DNA positions 7652 to 7653, 2 bases deleted (CA; older notation c.7652_7653delCA).
Protein change: p.Thr2551fs; shifts the reading frame from threonine 2551.
Molecular consequence: frameshift variant.
Genome position (GRCh38, 1-based): chr17:31,356,496-31,356,497, CA deleted; deleting any 2 consecutive bases within chr17:31,356,493-31,356,497 gives the same sequence; the c. name uses the placement nearest the transcript's 3' end. VCF-style (leftmost placement, unchanged base first): chr17-31356492-GAC-G. GRCh37 (hg19) VCF-style: chr17-29683510-GAC-G.
Other names: c.7587_7588CA[1], p.Thr2530Lysfs (NM_000267.4); short protein forms T2530fs, T2551fs.
Identifiers: ClinVar variation 1355753 (VCV001355753.6), dbSNP rs2151581084, ClinGen allele CA2580612880.